The following is an entry in ClinVar:

NM_006514.4(SCN10A):c.1052G>T (p.Arg351Leu)

Gene: SCN10A (sodium voltage-gated channel alpha subunit 10; minus strand). Cytogenetic location: 3p22.2.
Variant type: single nucleotide variant.
Coding change: c.1052G>T on transcript NM_006514.4 (MANE Select); coding-DNA position 1052, G replaced by T.
Protein change: p.Arg351Leu; replaces arginine 351 with leucine.
Molecular consequence: missense variant.
Genome position (GRCh38, 1-based): chr3:38,757,058, C>A on the plus strand (G>T on the coding strand, the complement: SCN10A is on the minus strand). VCF-style: chr3-38757058-C-A. GRCh37 (hg19) VCF-style: chr3-38798549-C-A.
Other names: c.1052G>T, p.Arg351Leu (NM_001293306.2, NM_001293307.2); short protein forms R351L.
Identifiers: ClinVar variation 2563702 (VCV002563702.4), dbSNP rs767987787, ClinGen allele CA2320989.

ClinVar aggregate classification (germline): Uncertain significance. Review status: criteria provided, multiple submitters, no conflicts (2 of 4 stars). 3 submissions from 3 submitters: Uncertain significance (3). Last evaluated 2025-01-29.

Conditions:
Episodic pain syndrome, familial, 2 (FEPS2). Identifiers: Orphanet 306577, MedGen C3809893, MONDO:0014246, OMIM 615551.
Cardiovascular phenotype. Identifiers: MedGen CN230736.

gnomAD v4.1: 2 of 1,613,362 alleles (0.00012%); highest among the groups gnomAD compares: African/African-American, 0.0013%; no homozygotes.

Submissions (3):

GeneDx
Classification: Uncertain significance. Last evaluated: 2025-01-29. Review status: criteria provided, single submitter. Criteria: GeneDx Variant Classification Process June 2021. Collection method: clinical testing. Allele origin: germline. Affected: yes.
Comment: Not observed at significant frequency in large population cohorts (gnomAD); In silico analysis supports that this missense variant has a deleterious effect on protein structure/function; Has not been previously published as pathogenic or benign to our knowledge

Ambry Genetics
Classification: Uncertain significance for Cardiovascular phenotype. Last evaluated: 2023-04-09. Review status: criteria provided, single submitter. Criteria: Ambry Variant Classification Scheme 2023. Collection method: clinical testing. Allele origin: germline.
Comment: The p.R351L variant (also known as c.1052G>T), located in coding exon 8 of the SCN10A gene, results from a G to T substitution at nucleotide position 1052. The arginine at codon 351 is replaced by leucine, an amino acid with dissimilar properties. This amino acid position is conserved. In addition, this alteration is predicted to be deleterious by in silico analysis. Since supporting evidence is limited at this time, the clinical significance of this alteration remains unclear.

Department of Pathology and Laboratory Medicine, Sinai Health System
Classification: Uncertain significance for Episodic pain syndrome, familial, 2. Last evaluated: 2021-11-22. Review status: criteria provided, single submitter. Criteria: ACMG Guidelines, 2015. Collection method: research. Allele origin: germline.